The following is an entry in ClinVar:

ClinVar aggregate classification (germline): Uncertain significance (1 of 4 stars; one submission).

Conditions:
Hereditary cancer-predisposing syndrome. Also called: Neoplastic Syndromes, Hereditary; Tumor predisposition; Hereditary Cancer Syndrome; Hereditary neoplastic syndrome. Identifiers: Orphanet 140162, MedGen C0027672, MeSH D009386, MONDO:0015356.

Submission:

Ambry Genetics
Classification: Uncertain significance for Hereditary cancer-predisposing syndrome. Last evaluated: 2025-10-13. Review status: criteria provided, single submitter. Criteria: Ambry Variant Classification Scheme 2023. Collection method: clinical testing. Allele origin: germline.
Comment: The p.K564T variant (also known as c.1691A>C), located in coding exon 14 of the POT1 gene, results from an A to C substitution at nucleotide position 1691. The lysine at codon 564 is replaced by threonine, an amino acid with similar properties. This amino acid position is conserved. In addition, this alteration is predicted to be tolerated by in silico analysis. Based on the available evidence, the clinical significance of this variant remains unclear.

NM_015450.3(POT1):c.1691A>C (p.Lys564Thr)

Gene: POT1 (protection of telomeres 1; minus strand). Cytogenetic location: 7q31.33.
Variant type: single nucleotide variant.
Coding change: c.1691A>C on transcript NM_015450.3 (MANE Select); coding-DNA position 1691, A replaced by C.
Protein change: p.Lys564Thr; replaces lysine 564 with threonine.
Molecular consequence: missense variant. On other transcripts: non-coding transcript variant (3).
Genome position (GRCh38, 1-based): chr7:124,825,353, T>G on the plus strand (A>C on the coding strand, the complement: POT1 is on the minus strand). VCF-style: chr7-124825353-T-G. GRCh37 (hg19) VCF-style: chr7-124465407-T-G.
Other names: c.1298A>C, p.Lys433Thr (NM_001042594.2); short protein forms K433T, K564T.
Identifiers: ClinVar variation 4673582 (VCV004673582.1).
Genomic context (GRCh38, chr7:124,825,353, plus strand): 5'-TCCACACTTTTCTGAAGGTCATCATCCATCAGAACTTCTGATGCTGGAATCTGGAAGAAT[T>G]TGTCCTTAAAAATGTTTCATGAGAGAAAAAAAAAGGAAATAATATTAATCCTTTTTAATG-3'
Protein context (NP_056265.2, residues 554-574): VLEAYLMDSD[Lys564Thr]FFQIPASEVL